The following is an entry in ClinVar:

ClinVar aggregate classification (germline): Uncertain significance. Review status: criteria provided, multiple submitters, no conflicts (2 of 4 stars). 2 submissions from 2 submitters: Uncertain significance (2). Last evaluated 2023-04-07.

Conditions:
Inborn genetic diseases. Identifiers: MedGen C0950123, MeSH D030342.
Pyruvate dehydrogenase E2 deficiency (PDHDD). Also called: LACTIC ACIDEMIA DUE TO DEFECT OF E2 LIPOYL TRANSACETYLASE OF THE PYRUVATE DEHYDROGENASE COMPLEX; Dihydrolipoamide Acetyltransferase (E2) Deficiency. Identifiers: Orphanet 765, Orphanet 79244, MedGen C1855565, MONDO:0009502, OMIM 245348.

Allele frequency attached by ClinVar (database versions not stated): ExAC 0.00002; gnomAD exomes 0.00006; gnomAD 0.00007; TOPMed 0.00007.
gnomAD v4.1: 92 of 1,614,056 alleles (0.0057%); highest among the groups gnomAD compares: South Asian, 0.0088%; no homozygotes.

Submissions (2):

Ambry Genetics
Classification: Uncertain significance for Inborn genetic diseases. Last evaluated: 2023-04-07. Review status: criteria provided, single submitter. Criteria: Ambry Variant Classification Scheme 2023. Collection method: clinical testing. Allele origin: germline.

Labcorp Genetics (formerly Invitae), Labcorp
Classification: Uncertain significance for Pyruvate dehydrogenase E2 deficiency. Last evaluated: 2022-04-30. Review status: criteria provided, single submitter. Criteria: Invitae Variant Classification Sherloc (09022015). Collection method: clinical testing. Allele origin: germline.
Comment: This sequence change replaces serine, which is neutral and polar, with leucine, which is neutral and non-polar, at codon 202 of the DLAT protein (p.Ser202Leu). This variant is present in population databases (rs781951438, gnomAD 0.03%). This variant has not been reported in the literature in individuals affected with DLAT-related conditions. Advanced modeling of protein sequence and biophysical properties (such as structural, functional, and spatial information, amino acid conservation, physicochemical variation, residue mobility, and thermodynamic stability) performed at Invitae indicates that this missense variant is not expected to disrupt DLAT protein function. In summary, the available evidence is currently insufficient to determine the role of this variant in disease. Therefore, it has been classified as a Variant of Uncertain Significance.

NM_001931.5(DLAT):c.605C>T (p.Ser202Leu)

Gene: DLAT (dihydrolipoamide S-acetyltransferase; plus strand). Cytogenetic location: 11q23.1.
Variant type: single nucleotide variant.
Coding change: c.605C>T on transcript NM_001931.5 (MANE Select); coding-DNA position 605, C replaced by T.
Protein change: p.Ser202Leu; replaces serine 202 with leucine.
Molecular consequence: missense variant. On other transcripts: non-coding transcript variant (1), intron variant (2).
Genome position (GRCh38, 1-based): chr11:112,028,890, C>T. VCF-style: chr11-112028890-C-T. GRCh37 (hg19) VCF-style: chr11-111899614-C-T.
Other names: c.605C>T, p.Ser202Leu (NM_001372031.1, NM_001372032.1, NM_001372033.1 and 3 more transcripts); c.572C>T, p.Ser191Leu (NM_001372034.1); c.479C>T, p.Ser160Leu (NM_001372036.1); c.437C>T, p.Ser146Leu (NM_001372037.1); c.143C>T, p.Ser48Leu (NM_001372042.1); c.381+2591C>T (NM_001372038.1); c.364+2608C>T (NM_001372040.1); c.605C>T (NM_001931.4); short protein forms S160L, S191L, S202L, S146L, S48L.
Identifiers: ClinVar variation 2151891 (VCV002151891.3), dbSNP rs781951438, ClinGen allele CA6276702.
Genomic context (GRCh38, chr11:112,028,890, plus strand): 5'-ATTCCTCAGCAGCACCTACCCCACAAGCGGCCCCAGCACCAACCCCTGCTGCCACTGCTT[C>T]GCCACCTACACCTTCTGCTCAGGCTCCTGGTAGCTCATATCCCCCTCACATGCAGGTGAG-3'
Protein context (NP_001922.2, residues 192-212): APAPTPAATA[Ser202Leu]PPTPSAQAPG